The following is an entry in ClinVar:

NM_018723.4(RBFOX1):c.217T>G (p.Ser73Ala)

Gene: RBFOX1 (RNA binding fox-1 homolog 1; plus strand). Cytogenetic location: 16p13.3.
Variant type: single nucleotide variant.
Coding change: c.217T>G on transcript NM_018723.4 (MANE Select); coding-DNA position 217, T replaced by G.
Protein change: p.Ser73Ala; replaces serine 73 with alanine.
Molecular consequence: missense variant.
Genome position (GRCh38, 1-based): chr16:7,518,336, T>G. VCF-style: chr16-7518336-T-G. GRCh37 (hg19) VCF-style: chr16-7568338-T-G.
Other names: c.277T>G (NM_145891.2); c.217T>G, p.Ser73Ala (NM_001142333.2, NM_001142334.2, NM_001364800.2); c.346T>G, p.Ser116Ala (NM_001308117.1); c.277T>G, p.Ser93Ala (NM_145891.3, NM_145892.3, NM_145893.3); short protein forms S116A, S73A, S93A.
Identifiers: ClinVar variation 998756 (VCV000998756.11), dbSNP rs769785213, ClinGen allele CA7891363.

ClinVar aggregate classification (germline): Uncertain significance. Review status: criteria provided, multiple submitters, no conflicts (2 of 4 stars). 2 submissions from 2 submitters: Uncertain significance (2). Last evaluated 2024-10-07.

Conditions:
Inborn genetic diseases. Identifiers: MedGen C0950123, MeSH D030342.
Idiopathic generalized epilepsy. Also called: Generalised epilepsy; EIG. Identifiers: MedGen C0270850, MONDO:0005579, OMIM 600669.

Allele frequency attached by ClinVar (database versions not stated): gnomAD 0.00001; gnomAD exomes 0.00001; TOPMed 0.00001; ExAC 0.00002.
gnomAD v4.1: 11 of 1,613,612 alleles (0.00068%); highest among the groups gnomAD compares: African/African-American, 0.0013%; no homozygotes.

Submissions (2):

Labcorp Genetics (formerly Invitae), Labcorp
Classification: Uncertain significance for Idiopathic generalized epilepsy. Last evaluated: 2024-10-07. Review status: criteria provided, single submitter. Criteria: Invitae Variant Classification Sherloc (09022015). Collection method: clinical testing. Allele origin: germline.
Comment: This sequence change replaces serine, which is neutral and polar, with alanine, which is neutral and non-polar, at codon 93 of the RBFOX1 protein (p.Ser93Ala). This variant is present in population databases (rs769785213, gnomAD 0.003%). This variant has not been reported in the literature in individuals affected with RBFOX1-related conditions. ClinVar contains an entry for this variant (Variation ID: 998756). Invitae Evidence Modeling of protein sequence and biophysical properties (such as structural, functional, and spatial information, amino acid conservation, physicochemical variation, residue mobility, and thermodynamic stability) indicates that this missense variant is not expected to disrupt RBFOX1 protein function with a negative predictive value of 80%. In summary, the available evidence is currently insufficient to determine the role of this variant in disease. Therefore, it has been classified as a Variant of Uncertain Significance.

Ambry Genetics
Classification: Uncertain significance for Inborn genetic diseases. Last evaluated: 2023-05-17. Review status: criteria provided, single submitter. Criteria: Ambry Variant Classification Scheme 2023. Collection method: clinical testing. Allele origin: germline.